The following is an entry in ClinVar:

ClinVar aggregate classification (germline): Uncertain significance (1 of 4 stars; one submission).

Conditions:
Familial cold autoinflammatory syndrome 2 (FCAS2). Identifiers: Orphanet 247868, MedGen C2673198, MONDO:0012724, OMIM 611762.

Submission:

Labcorp Genetics (formerly Invitae), Labcorp
Classification: Uncertain significance for Familial cold autoinflammatory syndrome 2. Last evaluated: 2022-10-17. Review status: criteria provided, single submitter. Criteria: Invitae Variant Classification Sherloc (09022015). Collection method: clinical testing. Allele origin: germline.
Comment: In summary, the available evidence is currently insufficient to determine the role of this variant in disease. Therefore, it has been classified as a Variant of Uncertain Significance. This variant has not been reported in the literature in individuals affected with NLRP12-related conditions. This variant is a gross deletion of the genomic region encompassing exon(s) 2-8 of the NLRP12 gene. This deletion is out-of-frame, and is expected to create a premature translational stop signal and result in an absent or disrupted protein product. However, the current clinical and genetic evidence is not sufficient to establish whether loss-of-function variants in NLRP12 cause disease.

NC_000019.9:g.(?_54301477)_(54318262_?)dup

Gene: NLRP12 (NLR family pyrin domain containing 12; minus strand). Cytogenetic location: 19q13.42.
Variant type: Duplication.
Identifiers: ClinVar variation 1441708 (VCV001441708.5).